The following is an entry in ClinVar:

NM_017636.4(TRPM4):c.1418T>C (p.Ile473Thr)

Gene: TRPM4 (transient receptor potential cation channel subfamily M member 4; plus strand). Cytogenetic location: 19q13.33.
Variant type: single nucleotide variant.
Coding change: c.1418T>C on transcript NM_017636.4 (MANE Select); coding-DNA position 1418, T replaced by C.
Protein change: p.Ile473Thr; replaces isoleucine 473 with threonine.
Molecular consequence: missense variant. On other transcripts: 5 prime UTR variant (1).
Genome position (GRCh38, 1-based): chr19:49,182,732, T>C. VCF-style: chr19-49182732-T-C. GRCh37 (hg19) VCF-style: chr19-49685989-T-C.
Other names: c.1418T>C, p.Ile473Thr (NM_001195227.2); c.1073T>C, p.Ile358Thr (NM_001321281.2); c.-136T>C (NM_001321282.2); c.896T>C, p.Ile299Thr (NM_001321283.2); c.356T>C, p.Ile119Thr (NM_001321285.2); short protein forms I119T, I473T, I299T, I358T.
Identifiers: ClinVar variation 2448581 (VCV002448581.4), dbSNP rs138686218, ClinGen allele CA309442917.

ClinVar aggregate classification (germline): Uncertain significance. Review status: criteria provided, multiple submitters, no conflicts (2 of 4 stars). 2 submissions from 2 submitters: Uncertain significance (2). Last evaluated 2025-07-30.

Conditions:
Cardiovascular phenotype. Identifiers: MedGen CN230736.
Progressive familial heart block type IB (PFHB1B). Identifiers: Orphanet 871, MedGen C1970298, MONDO:0011474, OMIM 604559.

Allele frequency attached by ClinVar (database versions not stated): gnomAD exomes below 0.00001; TOPMed 0.00001; gnomAD 0.00002; ESP Exome Variant Server 0.00008.
gnomAD v4.1: 10 of 1,613,950 alleles (0.00062%); highest among the groups gnomAD compares: South Asian, 0.0055%; no homozygotes.

Submissions (2):

Labcorp Genetics (formerly Invitae), Labcorp
Classification: Uncertain significance for Progressive familial heart block type IB. Last evaluated: 2025-07-30. Review status: criteria provided, single submitter. Criteria: Invitae Variant Classification Sherloc (09022015). Collection method: clinical testing. Allele origin: germline.
Comment: This sequence change replaces isoleucine, which is neutral and non-polar, with threonine, which is neutral and polar, at codon 473 of the TRPM4 protein (p.Ile473Thr). This variant is present in population databases (rs138686218, gnomAD 0.006%). This variant has not been reported in the literature in individuals affected with TRPM4-related conditions. ClinVar contains an entry for this variant (Variation ID: 2448581). An algorithm developed to predict the effect of missense changes on protein structure and function (PolyPhen-2) suggests that this variant is likely to be tolerated. In summary, the available evidence is currently insufficient to determine the role of this variant in disease. Therefore, it has been classified as a Variant of Uncertain Significance.

Ambry Genetics
Classification: Uncertain significance for Cardiovascular phenotype. Last evaluated: 2022-12-06. Review status: criteria provided, single submitter. Criteria: Ambry Variant Classification Scheme 2023. Collection method: clinical testing. Allele origin: germline.
Comment: The p.I473T variant (also known as c.1418T>C), located in coding exon 11 of the TRPM4 gene, results from a T to C substitution at nucleotide position 1418. The isoleucine at codon 473 is replaced by threonine, an amino acid with similar properties. This amino acid position is conserved. In addition, this alteration is predicted to be tolerated by in silico analysis. Since supporting evidence is limited at this time, the clinical significance of this alteration remains unclear.